The following is an entry in ClinVar:

ClinVar aggregate classification (germline): Pathogenic. Review status: criteria provided, multiple submitters, no conflicts (2 of 4 stars). 3 submissions from 3 submitters: Pathogenic (3). Last evaluated 2025-01-11.

Conditions:
Hereditary cancer-predisposing syndrome. Also called: Hereditary neoplastic syndrome; Tumor predisposition; Neoplastic Syndromes, Hereditary; Hereditary Cancer Syndrome. Identifiers: Orphanet 140162, MedGen C0027672, MeSH D009386, MONDO:0015356.
Cardiovascular phenotype. Identifiers: MedGen CN230736.
Neurofibromatosis, type 1 (NF1). Also called: Peripheral type neurofibromatosis; VON RECKLINGHAUSEN DISEASE; NEUROFIBROMATOSIS, TYPE I, SOMATIC; Neurofibromatosis, type I. Identifiers: Orphanet 636, MedGen C0027831, MONDO:0018975, OMIM 162200. Disease mechanism: loss of function.

Submissions (3):

Ambry Genetics
Classification: Pathogenic for Cardiovascular phenotype; Hereditary cancer-predisposing syndrome. Last evaluated: 2025-01-11. Review status: criteria provided, single submitter. Criteria: Ambry Variant Classification Scheme 2023. Collection method: clinical testing. Allele origin: germline.
Comment: The c.4974_4977delCTAT pathogenic mutation, located in coding exon 36 of the NF1 gene, results from a deletion of 4 nucleotides at nucleotide positions 4974 to 4977, causing a translational frameshift with a predicted alternate stop codon (p.Y1659Tfs*17). This alteration is expected to result in loss of function by premature protein truncation or nonsense-mediated mRNA decay. As such, this alteration is interpreted as a disease-causing mutation.

Labcorp Genetics (formerly Invitae), Labcorp
Classification: Pathogenic for Neurofibromatosis, type 1. Last evaluated: 2023-07-03. Review status: criteria provided, single submitter. Criteria: Invitae Variant Classification Sherloc (09022015). Collection method: clinical testing. Allele origin: germline.
Comment: For these reasons, this variant has been classified as Pathogenic. ClinVar contains an entry for this variant (Variation ID: 2413027). This premature translational stop signal has been observed in individual(s) with neurofibromatosis type I (PMID: 26962827). This variant is not present in population databases (gnomAD no frequency). This sequence change creates a premature translational stop signal (p.Tyr1659Thrfs*17) in the NF1 gene. It is expected to result in an absent or disrupted protein product. Loss-of-function variants in NF1 are known to be pathogenic (PMID: 10712197, 23913538).

GeneDx
Classification: Pathogenic. Last evaluated: 2023-01-29. Review status: criteria provided, single submitter. Criteria: GeneDx Variant Classification Process June 2021. Collection method: clinical testing. Allele origin: germline. Affected: yes.
Comment: Frameshift variant predicted to result in protein truncation or nonsense mediated decay in a gene for which loss-of-function is a known mechanism of disease; Not observed in large population cohorts (gnomAD); Also known as c.5034_5037delTATC; This variant is associated with the following publications: (PMID: 23656349, 26962827)

Literature cited by the submitters: PubMed 26962827 (cited by Labcorp Genetics (formerly Invitae), Labcorp); PubMed 10712197 (cited by Labcorp Genetics (formerly Invitae), Labcorp); PubMed 23913538 (cited by Labcorp Genetics (formerly Invitae), Labcorp).

NM_001042492.3(NF1):c.5037_5040del (p.Tyr1680fs)

Gene: NF1 (neurofibromin 1; plus strand). Cytogenetic location: 17q11.2.
Variant type: Deletion.
Coding change: c.5037_5040del on transcript NM_001042492.3 (MANE Select); coding-DNA positions 5037 to 5040, 4 bases deleted (CTAT; older notation c.5037_5040delCTAT).
Protein change: p.Tyr1680fs; shifts the reading frame from tyrosine 1680.
Molecular consequence: frameshift variant.
Genome position (GRCh38, 1-based): chr17:31,326,021-31,326,024, CTAT deleted; deleting any 4 consecutive bases within chr17:31,326,018-31,326,024 gives the same sequence; the c. name uses the placement nearest the transcript's 3' end. VCF-style (leftmost placement, unchanged base first): chr17-31326017-ATATC-A. GRCh37 (hg19) VCF-style: chr17-29653035-ATATC-A.
Other names: c.4974_4977delCTAT (NM_000267.3); c.4974_4977delCTAT, p.Tyr1659Thrfs (NM_000267.4); short protein forms Y1659fs, Y1680fs.
Identifiers: ClinVar variation 2413027 (VCV002413027.7), dbSNP rs2508696301, ClinGen allele CA2580093002.